The following is an entry in ClinVar:

NM_006231.4(POLE):c.831G>A (p.Glu277=)

Gene: POLE (DNA polymerase epsilon, catalytic subunit; minus strand). Cytogenetic location: 12q24.33.
Variant type: single nucleotide variant.
Coding change: c.831G>A on transcript NM_006231.4 (MANE Select); coding-DNA position 831, G replaced by A.
Protein change: p.Glu277=; no amino-acid change (glutamic acid 277 retained).
Molecular consequence: synonymous variant.
Genome position (GRCh38, 1-based): chr12:132,676,624, C>T on the plus strand (G>A on the coding strand, the complement: POLE is on the minus strand). VCF-style: chr12-132676624-C-T. GRCh37 (hg19) VCF-style: chr12-133253210-C-T.
Identifiers: ClinVar variation 3904231 (VCV003904231.1).

ClinVar aggregate classification (germline): Benign (1 of 4 stars; one submission).

Conditions:
Colorectal cancer, susceptibility to, 12 (CRCS12). Also called: COLORECTAL CANCER, SUSCEPTIBILITY TO, ON CHROMOSOME 12q24. Identifiers: Orphanet 220460, MedGen C3554460, MONDO:0014038, OMIM 615083.

Submission:

Myriad Genetics, Inc.
Classification: Benign for Colorectal cancer, susceptibility to, 12. Last evaluated: 2025-02-07. Review status: criteria provided, single submitter. Criteria: Myriad Autosomal Dominant, Autosomal Recessive and X-Linked Classification Criteria (2023). Collection method: clinical testing. Allele origin: unknown.
Comment: This variant is considered benign. This variant is a silent/synonymous amino acid change and it is not expected to impact splicing.